The following is an entry in ClinVar:

NM_000540.3(RYR1):c.5565C>T (p.Gly1855=)

Gene: RYR1 (ryanodine receptor 1; plus strand). Cytogenetic location: 19q13.2.
Variant type: single nucleotide variant.
Coding change: c.5565C>T on transcript NM_000540.3 (MANE Select); coding-DNA position 5565, C replaced by T.
Protein change: p.Gly1855=; no amino-acid change (glycine 1855 retained).
Molecular consequence: synonymous variant.
Genome position (GRCh38, 1-based): chr19:38,489,194, C>T. VCF-style: chr19-38489194-C-T. GRCh37 (hg19) VCF-style: chr19-38979834-C-T.
Other names: p.Gly1855=; c.5565C>T, p.Gly1855= (NM_001042723.2).
Identifiers: ClinVar variation 256528 (VCV000256528.28), dbSNP rs61750975, ClinGen allele CA067277.
Genomic context (GRCh38, chr19:38,489,194, plus strand): 5'-GGCCTTGCAGGCCACAGTGAAGAACCGAGACTTTGTCCTGTAGGTGATGGGCATCTTTGG[C>T]GATGAGGATGTGAAACAGATCTTGAAGATGATTGAGCCTGAGGTCTTCACTGAGGAAGAA-3'
Protein context (NP_000531.2, residues 1845-1865): VSTLLVMGIF[Gly1855=]DEDVKQILKM

ClinVar aggregate classification (germline): Benign/Likely benign. Review status: criteria provided, multiple submitters, no conflicts (2 of 4 stars). 12 submissions from 11 submitters: Benign (10); Likely benign (2). Last evaluated 2026-02-01.

Conditions:
RYR1-related disorder. Also called: RYR1-related condition; RYR1-related disorders. Identifiers: MedGen CN239331.
Central core myopathy (CMYO1A). Also called: CONGENITAL MYOPATHY 1A, AUTOSOMAL DOMINANT, WITH SUSCEPTIBILITY TO MALIGNANT HYPERTHERMIA; Central core disease; Myopathy, central fibrillar. Identifiers: Orphanet 597, MedGen C5830701, MONDO:0007294, OMIM 117000.
Congenital myopathy with fiber type disproportion. Also called: Congenital fiber-type disproportion myopathy; Congenital fiber-type disproportion. Identifiers: Orphanet 2020, MedGen C0546264, MONDO:0009711. Inheritance: all.
Congenital multicore myopathy with external ophthalmoplegia (CMYO1B). Also called: Congenital myopathy 1B, autosomal recessive; Minicore myopathy; MULTICORE MYOPATHY; Minicore myopathy with external ophthalmoplegia; MULTIMINICORE DISEASE WITH EXTERNAL OPHTHALMOPLEGIA. Identifiers: Orphanet 598, Orphanet 98905, MedGen C1850674, MONDO:0009712, OMIM 255320, HP:0003789.
Malignant hyperthermia, susceptibility to, 1 (MHS1). Also called: RYR1-Related Malignant Hyperthermia Susceptibility; Anesthesia related hyperthermia; Malignant hyperpyrexia; Fulminating hyperpyrexia; Pharmacogenic myopathy; Malignant hyperthermia suceptibility 1. Identifiers: Orphanet 423, MedGen C2930980, MONDO:0007783, OMIM 145600.
King Denborough syndrome (KDS). Identifiers: MedGen C1840365, MONDO:0020485, OMIM 619542.

Allele frequency attached by ClinVar (database versions not stated): gnomAD exomes 0.00051 and 0.00131; ExAC 0.00148; 1000 Genomes Project 0.00459; 1000 Genomes Project 30x 0.00468; gnomAD 0.00478 and 0.00517; ESP Exome Variant Server 0.00515; TOPMed 0.00553.
gnomAD v4.1: 1,534 of 1,613,782 alleles (0.095%); highest among the groups gnomAD compares: African/African-American, 1.7%; 13 homozygotes.

Submissions (13):

Labcorp Genetics (formerly Invitae), Labcorp
Classification: Benign for RYR1-related disorder. Last evaluated: 2026-02-01. Review status: criteria provided, single submitter. Criteria: Invitae Variant Classification Sherloc (09022015). Collection method: clinical testing. Allele origin: germline.

Blueprint Genetics
Classification: Likely benign. Last evaluated: 2024-11-27. Review status: criteria provided, single submitter. Criteria: ACMG Guidelines, 2015. Collection method: clinical testing. Allele origin: germline.

Mayo Clinic Laboratories, Mayo Clinic
Classification: Benign. Last evaluated: 2024-02-15. Review status: criteria provided, single submitter. Criteria: ACMG Guidelines, 2015. Collection method: clinical testing. Allele origin: germline. Observed: 4 variant alleles.
Comment: BS1, BS2, BP4, BP7

Fulgent Genetics
Classification: Benign for Central core myopathy; Malignant hyperthermia, susceptibility to, 1; Congenital myopathy 4A, autosomal dominant; Congenital multicore myopathy with external ophthalmoplegia; King Denborough syndrome. Last evaluated: 2021-08-27. Review status: criteria provided, single submitter. Criteria: ACMG Guidelines, 2015. Collection method: clinical testing. Allele origin: unknown.

Color Diagnostics, LLC DBA Color Health
Classification: Benign for Malignant hyperthermia, susceptibility to, 1. Last evaluated: 2019-03-29. Review status: criteria provided, single submitter. Criteria: ACMG Guidelines, 2015. Collection method: clinical testing. Allele origin: germline.

Athena Diagnostics
Classification: Benign. Last evaluated: 2018-12-27. Review status: criteria provided, single submitter. Criteria: Athena Diagnostics Criteria. Collection method: clinical testing. Allele origin: germline.

PreventionGenetics, part of Exact Sciences
Classification: Benign. Last evaluated: 2018-04-02. Review status: criteria provided, single submitter. Criteria: ACMG Guidelines, 2015. Collection method: clinical testing. Allele origin: germline.

Illumina Laboratory Services, Illumina
Classification: Benign for Congenital multicore myopathy with external ophthalmoplegia. Last evaluated: 2018-01-12. Review status: criteria provided, single submitter. Criteria: ICSL Variant Classification Criteria 13 December 2019. Collection method: clinical testing. Allele origin: germline.
Comment: This variant was observed in the ICSL laboratory as part of a predisposition screen in an ostensibly healthy population. It had not been previously curated by ICSL or reported in the Human Gene Mutation Database (HGMD: prior to June 1st, 2018), and was therefore a candidate for classification through an automated scoring system. Utilizing variant allele frequency, disease prevalence and penetrance estimates, and inheritance mode, an automated score was calculated to assess if this variant is too frequent to cause the disease. Based on the score and internal cut-off values, a variant classified as benign is not then subjected to further curation. The score for this variant resulted in a classification of benign for this disease.

Illumina Laboratory Services, Illumina
Classification: Benign for Malignant hyperthermia, susceptibility to, 1. Last evaluated: 2018-01-12. Review status: criteria provided, single submitter. Criteria: ICSL Variant Classification Criteria 13 December 2019. Collection method: clinical testing. Allele origin: germline.
Comment: the same text as in the submission from Illumina Laboratory Services, Illumina above.

GeneDx
Classification: Benign. Last evaluated: 2016-05-23. Review status: criteria provided, single submitter. Criteria: GeneDx Variant Classification (06012015). Collection method: clinical testing. Allele origin: germline. Affected: yes.
Comment: This variant is considered likely benign or benign based on one or more of the following criteria: it is a conservative change, it occurs at a poorly conserved position in the protein, it is predicted to be benign by multiple in silico algorithms, and/or has population frequency not consistent with disease.

Eurofins Ntd Llc (ga)
Classification: Benign. Last evaluated: 2015-07-30. Review status: criteria provided, single submitter. Criteria: EGL Classification Definitions 2015. Collection method: clinical testing. Allele origin: germline. Observed: 1 variant allele, 1 heterozygote.

Breakthrough Genomics
Classification: Likely benign. Review status: criteria provided, single submitter. Criteria: ACMG Guidelines, 2015. Collection method: not provided. Allele origin: germline. Inheritance: Autosomal recessive inheritance. Affected: yes.

Dr. Peter K. Rogan Lab, Western University
No classification provided (evidence only). Condition: Gastric cancer. Review status: no classification provided. Collection method: in vitro. Allele origin: not applicable. Functional consequence: retained intron. Not counted in ClinVar's aggregate classification.